The following is an entry in ClinVar:

ClinVar aggregate classification (germline): Uncertain significance (1 of 4 stars; one submission).

Conditions:
Renal cell carcinoma. Identifiers: Orphanet 217071, MedGen C0007134, MeSH D002292, MONDO:0005086, HP:0005584.

Submission:

Labcorp Genetics (formerly Invitae), Labcorp
Classification: Uncertain significance for Renal cell carcinoma. Last evaluated: 2024-02-18. Review status: criteria provided, single submitter. Criteria: Invitae Variant Classification Sherloc (09022015). Collection method: clinical testing. Allele origin: germline.
Comment: This sequence change replaces proline, which is neutral and non-polar, with serine, which is neutral and polar, at codon 1329 of the MET protein (p.Pro1329Ser). This variant is not present in population databases (gnomAD no frequency). This variant has not been reported in the literature in individuals affected with MET-related conditions. Advanced modeling of protein sequence and biophysical properties (such as structural, functional, and spatial information, amino acid conservation, physicochemical variation, residue mobility, and thermodynamic stability) performed at Invitae indicates that this missense variant is not expected to disrupt MET protein function with a negative predictive value of 80%. In summary, the available evidence is currently insufficient to determine the role of this variant in disease. Therefore, it has been classified as a Variant of Uncertain Significance.

NM_000245.4(MET):c.3931C>T (p.Pro1311Ser)

Gene: MET (MET proto-oncogene, receptor tyrosine kinase; plus strand). Cytogenetic location: 7q31.2.
Variant type: single nucleotide variant.
Coding change: c.3931C>T on transcript NM_000245.4 (MANE Select); coding-DNA position 3931, C replaced by T.
Protein change: p.Pro1311Ser; replaces proline 1311 with serine.
Molecular consequence: missense variant.
Genome position (GRCh38, 1-based): chr7:116,795,787, C>T. VCF-style: chr7-116795787-C-T. GRCh37 (hg19) VCF-style: chr7-116435841-C-T.
Other names: c.3985C>T, p.Pro1329Ser (NM_001127500.3); c.2641C>T, p.Pro881Ser (NM_001324402.2); short protein forms P881S, P1329S, P1311S.
Identifiers: ClinVar variation 3691881 (VCV003691881.2).